The following is an entry in ClinVar:

ClinVar aggregate classification (germline): Conflicting classifications of pathogenicity. Review status: criteria provided, conflicting classifications (1 of 4 stars). 3 submissions from 3 submitters: Uncertain significance (2); Likely benign (1). Last evaluated 2025-06-08.

Conditions:
Inborn genetic diseases. Identifiers: MedGen C0950123, MeSH D030342.

Allele frequency attached by ClinVar (database versions not stated): gnomAD 0.00001 and 0.00002; gnomAD exomes 0.00002; TOPMed 0.00003.

Submissions (3):

Labcorp Genetics (formerly Invitae), Labcorp
Classification: Uncertain significance. Last evaluated: 2025-06-08. Review status: criteria provided, single submitter. Criteria: Invitae Variant Classification Sherloc (09022015). Collection method: clinical testing. Allele origin: germline.
Comment: This sequence change replaces threonine, which is neutral and polar, with alanine, which is neutral and non-polar, at codon 2366 of the HUWE1 protein (p.Thr2366Ala). This variant is present in population databases (no rsID available, gnomAD 0.005%), including at least one homozygous and/or hemizygous individual. This variant has not been reported in the literature in individuals affected with HUWE1-related conditions. ClinVar contains an entry for this variant (Variation ID: 1198033). Invitae Evidence Modeling of protein sequence and biophysical properties (such as structural, functional, and spatial information, amino acid conservation, physicochemical variation, residue mobility, and thermodynamic stability) has been performed for this missense variant. However, the output from this modeling did not meet the statistical confidence thresholds required to predict the impact of this variant on HUWE1 protein function. In summary, the available evidence is currently insufficient to determine the role of this variant in disease. Therefore, it has been classified as a Variant of Uncertain Significance.

Ambry Genetics
Classification: Uncertain significance for Inborn genetic diseases. Last evaluated: 2024-12-30. Review status: criteria provided, single submitter. Criteria: Ambry Variant Classification Scheme 2023. Collection method: clinical testing. Allele origin: germline.

GeneDx
Classification: Likely benign. Last evaluated: 2022-08-25. Review status: criteria provided, single submitter. Criteria: GeneDx Variant Classification Process June 2021. Collection method: clinical testing. Allele origin: germline. Affected: yes.
Comment: See Variant Classification Assertion Criteria.

NM_031407.7(HUWE1):c.7096A>G (p.Thr2366Ala)

Gene: HUWE1 (HECT, UBA and WWE domain containing E3 ubiquitin protein ligase 1; minus strand). Cytogenetic location: Xp11.22.
Variant type: single nucleotide variant.
Coding change: c.7096A>G on transcript NM_031407.7 (MANE Select); coding-DNA position 7096, A replaced by G.
Protein change: p.Thr2366Ala; replaces threonine 2366 with alanine.
Molecular consequence: missense variant.
Genome position (GRCh38, 1-based): chrX:53,563,755, T>C on the plus strand (A>G on the coding strand, the complement: HUWE1 is on the minus strand). VCF-style: chrX-53563755-T-C. GRCh37 (hg19) VCF-style: chrX-53590716-T-C.
Other names: short protein forms T2366A.
Identifiers: ClinVar variation 1198033 (VCV001198033.6), dbSNP rs1365982862, ClinGen allele CA413160735.